The following is an entry in ClinVar:

NM_000222.3(KIT):c.502G>A (p.Ala168Thr)

Gene: KIT (KIT proto-oncogene, receptor tyrosine kinase; plus strand). Cytogenetic location: 4q12.
Variant type: single nucleotide variant.
Coding change: c.502G>A on transcript NM_000222.3 (MANE Select); coding-DNA position 502, G replaced by A.
Protein change: p.Ala168Thr; replaces alanine 168 with threonine.
Molecular consequence: missense variant.
Genome position (GRCh38, 1-based): chr4:54,698,448, G>A. VCF-style: chr4-54698448-G-A. GRCh37 (hg19) VCF-style: chr4-55564614-G-A.
Other names: c.502G>A, p.Ala168Thr (NM_001093772.2, NM_001385284.1, NM_001385285.1 and 4 more transcripts); short protein forms A168T.
Identifiers: ClinVar variation 575204 (VCV000575204.10), dbSNP rs200851152, ClinGen allele CA96848107.
Genomic context (GRCh38, chr4:54,698,448, plus strand): 5'-CTCAAGGGGTGCCAGGGGAAGCCTCTTCCCAAGGACTTGAGGTTTATTCCTGACCCCAAG[G>A]CGGGCATCATGATCAAAAGTGTGAAACGCGCCTACCATCGGCTCTGTCTGCATTGTTCTG-3'
Protein context (NP_000213.1, residues 158-178): KDLRFIPDPK[Ala168Thr]GIMIKSVKRA

ClinVar aggregate classification (germline): Uncertain significance. Review status: criteria provided, multiple submitters, no conflicts (2 of 4 stars). 3 submissions from 3 submitters: Uncertain significance (3). Last evaluated 2025-12-01.

Conditions:
KIT-related disorder. Also called: KIT-related condition.
Hereditary cancer-predisposing syndrome. Also called: Neoplastic Syndromes, Hereditary; Tumor predisposition; Hereditary Cancer Syndrome; Hereditary neoplastic syndrome. Identifiers: Orphanet 140162, MedGen C0027672, MeSH D009386, MONDO:0015356.
Gastrointestinal stromal tumor. Also called: Gastrointestinal stroma tumor; Gastrointestinal stromal tumor, somatic. Identifiers: Orphanet 44890, MedGen C0238198, MeSH D046152, MONDO:0011719, OMIM 606764, HP:0100723.

Allele frequency attached by ClinVar (database versions not stated): 1000 Genomes Project 30x 0.00016; 1000 Genomes Project 0.00020; gnomAD 0.00001; gnomAD exomes 0.00001.
gnomAD v4.1: 9 of 1,614,138 alleles (0.00056%); highest among the groups gnomAD compares: East Asian, 0.02%; no homozygotes.

Submissions (3):

Labcorp Genetics (formerly Invitae), Labcorp
Classification: Uncertain significance for Gastrointestinal stromal tumor. Last evaluated: 2025-12-01. Review status: criteria provided, single submitter. Criteria: Invitae Variant Classification Sherloc (09022015). Collection method: clinical testing. Allele origin: germline.
Comment: This sequence change replaces alanine, which is neutral and non-polar, with threonine, which is neutral and polar, at codon 168 of the KIT protein (p.Ala168Thr). This variant is not present in population databases (gnomAD no frequency). This variant has not been reported in the literature in individuals affected with KIT-related conditions. ClinVar contains an entry for this variant (Variation ID: 575204). An algorithm developed to predict the effect of missense changes on protein structure and function (PolyPhen-2) suggests that this variant is likely to be tolerated. In summary, the available evidence is currently insufficient to determine the role of this variant in disease. Therefore, it has been classified as a Variant of Uncertain Significance.

PreventionGenetics, part of Exact Sciences
Classification: Uncertain significance for KIT-related condition. Last evaluated: 2025-07-29. Review status: criteria provided, single submitter. Criteria: ACMG Guidelines, 2015. Collection method: clinical testing. Allele origin: germline.
Comment: The KIT c.502G>A variant is predicted to result in the amino acid substitution p.Ala168Thr. To our knowledge, this variant has not been reported in the literature or in a large population database (gnomAD), indicating this variant is rare, and is reported as uncertain in ClinVar (Variation ID: 575204). At this time, the clinical significance of this variant is uncertain due to the absence of conclusive functional and genetic evidence.

Ambry Genetics
Classification: Uncertain significance for Hereditary cancer-predisposing syndrome. Last evaluated: 2025-02-13. Review status: criteria provided, single submitter. Criteria: Ambry Variant Classification Scheme 2023. Collection method: clinical testing. Allele origin: germline.
Comment: The p.A168T variant (also known as c.502G>A), located in coding exon 3 of the KIT gene, results from a G to A substitution at nucleotide position 502. The alanine at codon 168 is replaced by threonine, an amino acid with similar properties. This amino acid position is conserved. In addition, this alteration is predicted to be tolerated by in silico analysis. Since supporting evidence is limited at this time, the clinical significance of this alteration remains unclear.